The following is an entry in ClinVar:

NM_004655.4(AXIN2):c.1598_1613dup (p.Val539fs)

Gene: AXIN2 (axin 2; minus strand). Cytogenetic location: 17q24.1.
Variant type: Duplication.
Coding change: c.1598_1613dup on transcript NM_004655.4 (MANE Select); coding-DNA positions 1598 to 1613, 16 bases duplicated (CGGAGGCCACGCAGCG).
Protein change: p.Val539fs; shifts the reading frame from valine 539.
Molecular consequence: frameshift variant.
Genome position (GRCh38, 1-based): chr17:65,537,423-65,537,438, CGCTGCGTGGCCTCCG duplicated on the plus strand (CGGAGGCCACGCAGCG on the coding strand, the reverse complement: AXIN2 is on the minus strand); duplicating any 16 consecutive bases within chr17:65,537,423-65,537,439 gives the same sequence; the c. name uses the placement nearest the transcript's 3' end. VCF-style (leftmost placement, unchanged base first): chr17-65537422-C-CCGCTGCGTGGCCTCCG. GRCh37 (hg19) VCF-style: chr17-63533540-C-CCGCTGCGTGGCCTCCG.
Other names: c.1598_1613dup, p.Val539fs (NM_001363813.1); short protein forms V539fs.
Identifiers: ClinVar variation 862377 (VCV000862377.7), dbSNP rs2043947540, ClinGen allele CA916081923.
Genomic context (GRCh38, chr17:65,537,422, plus strand): 5'-GTGGCTTTTGCATTTCGAGTAGCAGTAATACTCGCTGCCCCCAGGGCAGAAGCAGTGCAC[C>CCGCTGCGTGGCCTCCG]CGCTGCGTGGCCTCCGCCTCGATCTCCTCCTTGGTCTTGGGGACGGCATGGTGGTGGATG-3'

ClinVar aggregate classification (germline): Pathogenic (1 of 4 stars; one submission).

Conditions:
Oligodontia-cancer predisposition syndrome. Also called: TOOTH AGENESIS-COLORECTAL CANCER SYNDROME. Identifiers: Orphanet 300576, MedGen C1837750, MONDO:0012075, OMIM 608615. Disease mechanism: loss of function.

Submission:

Labcorp Genetics (formerly Invitae), Labcorp
Classification: Pathogenic for Oligodontia-cancer predisposition syndrome. Last evaluated: 2025-11-20. Review status: criteria provided, single submitter. Criteria: Invitae Variant Classification Sherloc (09022015). Collection method: clinical testing. Allele origin: germline.
Comment: This sequence change creates a premature translational stop signal (p.Val539Glyfs*94) in the AXIN2 gene. It is expected to result in an absent or disrupted protein product. Loss-of-function variants in AXIN2 are known to be pathogenic (PMID: 15042511, 21416598). This variant is not present in population databases (gnomAD no frequency). This variant has not been reported in the literature in individuals affected with AXIN2-related conditions. ClinVar contains an entry for this variant (Variation ID: 862377). For these reasons, this variant has been classified as Pathogenic.

Literature cited by the submitters: PubMed 15042511; PubMed 21416598.